The following is an entry in ClinVar:

ClinVar aggregate classification (germline): Likely benign. Review status: criteria provided, multiple submitters, no conflicts (2 of 4 stars). 2 submissions from 2 submitters: Likely benign (2). Last evaluated 2025-07-01.

gnomAD v4.1: 174 of 1,614,148 alleles (0.011%); highest among the groups gnomAD compares: South Asian, 0.18%; 2 homozygotes.

Submissions (2):

CeGaT Center for Human Genetics Tuebingen
Classification: Likely benign. Last evaluated: 2025-07-01. Review status: criteria provided, single submitter. Criteria: CeGaT Center For Human Genetics Tuebingen Variant Classification Criteria Version 2. Collection method: clinical testing. Allele origin: germline. Affected: yes. Observed: 1 variant allele.
Comment: SALL4: BP4, BP7

Blueprint Genetics
Classification: Likely benign. Last evaluated: 2024-09-04. Review status: criteria provided, single submitter. Criteria: ACMG Guidelines, 2015. Collection method: clinical testing. Allele origin: germline.

NM_020436.5(SALL4):c.1723T>C (p.Leu575=)

Gene: SALL4 (spalt like transcription factor 4; minus strand). Cytogenetic location: 20q13.2.
Variant type: single nucleotide variant.
Coding change: c.1723T>C on transcript NM_020436.5 (MANE Select); coding-DNA position 1723, T replaced by C.
Protein change: p.Leu575=; no amino-acid change (leucine 575 retained).
Molecular consequence: synonymous variant. On other transcripts: intron variant (1).
Genome position (GRCh38, 1-based): chr20:51,790,760, A>G on the plus strand (T>C on the coding strand, the complement: SALL4 is on the minus strand). VCF-style: chr20-51790760-A-G. GRCh37 (hg19) VCF-style: chr20-50407299-A-G.
Other names: c.1150+573T>C (NM_001318031.2).
Identifiers: ClinVar variation 4084386 (VCV004084386.9).